The following is an entry in ClinVar:

NM_022489.4(INF2):c.1754C>T (p.Ala585Val)

Gene: INF2 (inverted formin 2; plus strand). Cytogenetic location: 14q32.33.
Variant type: single nucleotide variant.
Coding change: c.1754C>T on transcript NM_022489.4 (MANE Select); coding-DNA position 1754, C replaced by T.
Protein change: p.Ala585Val; replaces alanine 585 with valine.
Molecular consequence: missense variant.
Genome position (GRCh38, 1-based): chr14:104,708,454, C>T. VCF-style: chr14-104708454-C-T. GRCh37 (hg19) VCF-style: chr14-105174791-C-T.
Other names: c.1754C>T, p.Ala585Val (NM_001031714.4); short protein forms A585V.
Identifiers: ClinVar variation 1779446 (VCV001779446.3), dbSNP rs755219548, ClinGen allele CA7372662.
Genomic context (GRCh38, chr14:104,708,454, plus strand): 5'-CGGGGCTGCGAGAGCCTCACTGGCCGTGTCCCCACCCGACAGAGCACAACTCTATGTGGG[C>T]GTCCCTGAGCAGCCCCGACGCCGAGGCTGTGGAGCCCGACTTCTCCAGCATCGAGCGACT-3'
Protein context (NP_071934.3, residues 575-595): NVAREHNSMW[Ala585Val]SLSSPDAEAV

ClinVar aggregate classification (germline): Uncertain significance (1 of 4 stars; one submission).

Conditions:
Inborn genetic diseases. Identifiers: MedGen C0950123, MeSH D030342.

Allele frequency attached by ClinVar (database versions not stated): gnomAD exomes below 0.00001; ExAC 0.00001.
gnomAD v4.1: 4 of 1,612,280 alleles (0.00025%); highest among the groups gnomAD compares: African/African-American, 0.0013%; no homozygotes.

Submission:

Ambry Genetics
Classification: Uncertain significance for Inborn genetic diseases. Last evaluated: 2025-11-13. Review status: criteria provided, single submitter. Criteria: Ambry Variant Classification Scheme 2023. Collection method: clinical testing. Allele origin: germline.
Comment: The c.1754C>T (p.A585V) alteration is located in exon 9 (coding exon 8) of the INF2 gene. This alteration results from a C to T substitution at nucleotide position 1754, causing the alanine (A) at amino acid position 585 to be replaced by a valine (V). Based on data from gnomAD, the T allele has an overall frequency of <0.001% (1/247260) total alleles studied. The highest observed frequency was 0.006% (1/17938) of East Asian alleles. Based on insufficient or conflicting evidence, the clinical significance of this alteration remains unclear.